The following is an entry in ClinVar:

NM_006545.5(NPRL2):c.78+9C>T

Gene: NPRL2 (NPR2 like, GATOR1 complex subunit; minus strand). Cytogenetic location: 3p21.31.
Variant type: single nucleotide variant.
Coding change: c.78+9C>T on transcript NM_006545.5 (MANE Select); 9 bases into the intron after coding-DNA position 78, C replaced by T.
Molecular consequence: intron variant.
Genome position (GRCh38, 1-based): chr3:50,350,566, G>A on the plus strand (C>T on the coding strand, the complement: NPRL2 is on the minus strand). VCF-style: chr3-50350566-G-A. GRCh37 (hg19) VCF-style: chr3-50387997-G-A.
Identifiers: ClinVar variation 3035809 (VCV003035809.2), dbSNP rs1268558683, ClinGen allele CA542855266.

ClinVar aggregate classification (germline): Likely benign (0 of 4 stars; one submission).

Conditions:
NPRL2-related disorder. Also called: NPRL2-related condition.

Allele frequency attached by ClinVar (database versions not stated): gnomAD exomes 0.00001.

Submission:

PreventionGenetics, part of Exact Sciences
Classification: Likely benign for NPRL2-related condition. Last evaluated: 2019-08-08. Review status: no assertion criteria provided. Collection method: clinical testing. Allele origin: germline.
Comment: This variant is classified as likely benign based on ACMG/AMP sequence variant interpretation guidelines (Richards et al. 2015 PMID: 25741868, with internal and published modifications).